The following is an entry in ClinVar:

ClinVar aggregate classification (germline): Uncertain significance (1 of 4 stars; one submission).

Conditions:
Immunodeficiency 104. Also called: IMMUNODEFICIENCY 104, SEVERE COMBINED; Severe combined immunodeficiency, autosomal recessive, T cell-negative, B cell-positive, NK cell-positive; Severe Combined Immune Deficiency, Autosomal Recessive, TCell -Negative, B Cell-Positive, NK Cell-Positive, IL7R-Related; SCID, AUTOSOMAL RECESSIVE, T CELL-NEGATIVE, B CELL-POSITIVE, NK CELL-POSITIVE. Identifiers: MedGen C5676890, MONDO:0012163, OMIM 608971.

Allele frequency attached by ClinVar (database versions not stated): gnomAD exomes below 0.00001; TOPMed below 0.00001; gnomAD 0.00001.
gnomAD v4.1: 2 of 1,610,968 alleles (0.00012%); highest among the groups gnomAD compares: Non-Finnish European, 0.00017%; no homozygotes.

Submission:

Labcorp Genetics (formerly Invitae), Labcorp
Classification: Uncertain significance for Immunodeficiency 104. Last evaluated: 2024-10-10. Review status: criteria provided, single submitter. Criteria: Invitae Variant Classification Sherloc (09022015). Collection method: clinical testing. Allele origin: germline.
Comment: This sequence change replaces alanine, which is neutral and non-polar, with valine, which is neutral and non-polar, at codon 745 of the PTPRC protein (p.Ala745Val). This variant is not present in population databases (gnomAD no frequency). This variant has not been reported in the literature in individuals affected with PTPRC-related conditions. ClinVar contains an entry for this variant (Variation ID: 1938373). An algorithm developed to predict the effect of missense changes on protein structure and function outputs the following: PolyPhen-2: "Possibly Damaging". The valine amino acid residue is found in multiple mammalian species, which suggests that this missense change does not adversely affect protein function. In summary, the available evidence is currently insufficient to determine the role of this variant in disease. Therefore, it has been classified as a Variant of Uncertain Significance.

NM_002838.5(PTPRC):c.2234C>T (p.Ala745Val)

Gene: PTPRC (protein tyrosine phosphatase receptor type C; plus strand). Cytogenetic location: 1q32.1.
Variant type: single nucleotide variant.
Coding change: c.2234C>T on transcript NM_002838.5 (MANE Select); coding-DNA position 2234, C replaced by T.
Protein change: p.Ala745Val; replaces alanine 745 with valine.
Molecular consequence: missense variant.
Genome position (GRCh38, 1-based): chr1:198,734,382, C>T. VCF-style: chr1-198734382-C-T. GRCh37 (hg19) VCF-style: chr1-198703511-C-T.
Other names: c.1751C>T, p.Ala584Val (NM_080921.4); short protein forms A584V, A745V.
Identifiers: ClinVar variation 1938373 (VCV001938373.4), dbSNP rs1654529135, ClinGen allele CA344047957.
Genomic context (GRCh38, chr1:198,734,382, plus strand): 5'-TCCTAGGTCCCAGGGATGAAACTGTTGATGATTTCTGGAGGATGATTTGGGAACAGAAAG[C>T]CACAGTTATTGTCATGGTCACTCGATGTGAAGAAGGAAACAGGGTAAGAACCAAGAAGAT-3'
Protein context (NP_002829.3, residues 735-755): DFWRMIWEQK[Ala745Val]TVIVMVTRCE